The following is an entry in ClinVar:

ClinVar aggregate classification (germline): Uncertain significance (1 of 4 stars; one submission).

Conditions:
Hereditary cancer-predisposing syndrome. Also called: Neoplastic Syndromes, Hereditary; Hereditary neoplastic syndrome; Tumor predisposition; Hereditary Cancer Syndrome. Identifiers: Orphanet 140162, MedGen C0027672, MeSH D009386, MONDO:0015356.

Allele frequency attached by ClinVar (database versions not stated): gnomAD exomes below 0.00001.

Submission:

Ambry Genetics
Classification: Uncertain significance for Hereditary cancer-predisposing syndrome. Last evaluated: 2022-12-16. Review status: criteria provided, single submitter. Criteria: Ambry Variant Classification Scheme 2023. Collection method: clinical testing. Allele origin: germline.
Comment: The p.R14Q variant (also known as c.41G>A), located in coding exon 1 of the TMEM127 gene, results from a G to A substitution at nucleotide position 41. The arginine at codon 14 is replaced by glutamine, an amino acid with highly similar properties. This amino acid position is conserved. In addition, the in silico prediction for this alteration is inconclusive. Since supporting evidence is limited at this time, the clinical significance of this alteration remains unclear.

NM_017849.4(TMEM127):c.41G>A (p.Arg14Gln)

Genes: TMEM127 (transmembrane protein 127; minus strand), LOC129934333 (ATAC-STARR-seq lymphoblastoid silent region 11759; plus strand). Cytogenetic location: 2q11.2.
Variant type: single nucleotide variant.
Coding change: c.41G>A on transcript NM_017849.4 (MANE Select); coding-DNA position 41, G replaced by A.
Protein change: p.Arg14Gln; replaces arginine 14 with glutamine.
Molecular consequence: missense variant. On other transcripts: intron variant (1).
Genome position (GRCh38, 1-based): chr2:96,265,341, C>T on the plus strand (G>A on the coding strand, the complement: TMEM127 is on the minus strand). VCF-style: chr2-96265341-C-T. GRCh37 (hg19) VCF-style: chr2-96931079-C-T.
Other names: c.41G>A, p.Arg14Gln (NM_001193304.3); c.-9+528G>A (NM_001407283.1); short protein forms R14Q.
Identifiers: ClinVar variation 2496965 (VCV002496965.2), dbSNP rs2104308364, ClinGen allele CA347656253.